The following is an entry in ClinVar:

ClinVar aggregate classification (germline): Uncertain significance (1 of 4 stars; one submission).

Submission:

Labcorp Genetics (formerly Invitae), Labcorp
Classification: Uncertain significance. Last evaluated: 2022-08-22. Review status: criteria provided, single submitter. Criteria: Invitae Variant Classification Sherloc (09022015). Collection method: clinical testing. Allele origin: germline.
Comment: Experimental studies and prediction algorithms are not available or were not evaluated, and the effect of this variant on mRNA splicing is currently unknown. This sequence change falls in intron 2 of the NEFH gene. It does not directly change the encoded amino acid sequence of the NEFH protein. Information on the frequency of this variant in the gnomAD database is not available, as this variant may be reported differently in the database. This variant has not been reported in the literature in individuals affected with NEFH-related conditions. In summary, the available evidence is currently insufficient to determine the role of this variant in disease. Therefore, it has been classified as a Variant of Uncertain Significance.

NM_021076.4(NEFH):c.1083+19_1083+20delinsTT

Gene: NEFH (neurofilament heavy chain; plus strand). Cytogenetic location: 22q12.2.
Variant type: Indel.
Coding change: c.1083+19_1083+20delinsTT on transcript NM_021076.4 (MANE Select); bases 19 to 20 of the intron after coding-DNA position 1083, GA replaced by TT.
Molecular consequence: intron variant.
Genome position (GRCh38, 1-based): chr22:29,483,593-29,483,594, GA replaced by TT. VCF-style: chr22-29483593-GA-TT. GRCh37 (hg19) VCF-style: chr22-29879582-GA-TT.
Identifiers: ClinVar variation 2026031 (VCV002026031.4), dbSNP rs2517972243, ClinGen allele CA2580099549.